The following is an entry in ClinVar:

NM_181458.4(PAX3):c.235T>G (p.Ser79Ala)

Gene: PAX3 (paired box 3; minus strand). Cytogenetic location: 2q36.1.
Variant type: single nucleotide variant.
Coding change: c.235T>G on transcript NM_181458.4 (MANE Select); coding-DNA position 235, T replaced by G.
Protein change: p.Ser79Ala; replaces serine 79 with alanine.
Molecular consequence: missense variant.
Genome position (GRCh38, 1-based): chr2:222,297,064, A>C on the plus strand (T>G on the coding strand, the complement: PAX3 is on the minus strand). VCF-style: chr2-222297064-A-C. GRCh37 (hg19) VCF-style: chr2-223161783-A-C.
Other names: c.235T>G, p.Ser79Ala (NM_001127366.3, NM_013942.5, NM_181459.4 and 4 more transcripts); short protein forms S79A.
Identifiers: ClinVar variation 3645328 (VCV003645328.2).

ClinVar aggregate classification (germline): Uncertain significance (1 of 4 stars; one submission).

Submission:

Labcorp Genetics (formerly Invitae), Labcorp
Classification: Uncertain significance. Last evaluated: 2024-03-10. Review status: criteria provided, single submitter. Criteria: Invitae Variant Classification Sherloc (09022015). Collection method: clinical testing. Allele origin: germline.
Comment: This sequence change replaces serine, which is neutral and polar, with alanine, which is neutral and non-polar, at codon 79 of the PAX3 protein (p.Ser79Ala). This variant is not present in population databases (gnomAD no frequency). This variant has not been reported in the literature in individuals affected with PAX3-related conditions. Advanced modeling of protein sequence and biophysical properties (such as structural, functional, and spatial information, amino acid conservation, physicochemical variation, residue mobility, and thermodynamic stability) performed at Invitae indicates that this missense variant is expected to disrupt PAX3 protein function with a positive predictive value of 95%. In summary, the available evidence is currently insufficient to determine the role of this variant in disease. Therefore, it has been classified as a Variant of Uncertain Significance.